The following is an entry in ClinVar:

NM_000384.3(APOB):c.6252T>A (p.Asn2084Lys)

Gene: APOB (apolipoprotein B; minus strand). Cytogenetic location: 2p24.1.
Variant type: single nucleotide variant.
Coding change: c.6252T>A on transcript NM_000384.3 (MANE Select); coding-DNA position 6252, T replaced by A.
Protein change: p.Asn2084Lys; replaces asparagine 2084 with lysine.
Molecular consequence: missense variant.
Genome position (GRCh38, 1-based): chr2:21,010,616, A>T on the plus strand (T>A on the coding strand, the complement: APOB is on the minus strand). VCF-style: chr2-21010616-A-T. GRCh37 (hg19) VCF-style: chr2-21233488-A-T.
Other names: short protein forms N2084K.
Identifiers: ClinVar variation 3231436 (VCV003231436.2), dbSNP rs1663287239, ClinGen allele CA346002162.

ClinVar aggregate classification (germline): Uncertain significance. Review status: criteria provided, multiple submitters, no conflicts (2 of 4 stars). 2 submissions from 2 submitters: Uncertain significance (2). Last evaluated 2025-12-01.

Conditions:
Cardiovascular phenotype. Identifiers: MedGen CN230736.
Hypercholesterolemia, autosomal dominant, type B (FHCL2). Also called: Familial Hypercholesterolemia Type B; APOLIPOPROTEIN B-100, FAMILIAL DEFECTIVE; APOLIPOPROTEIN B-100, FAMILIAL LIGAND-DEFECTIVE; HYPERCHOLESTEROLEMIA, FAMILIAL, DUE TO LIGAND-DEFECTIVE APOLIPOPROTEIN B; Familial hypercholesterolemia 2; APOB-Related Familial Hypercholesterolemia, Autosomal Dominant. Identifiers: MedGen C1704417, MONDO:0007751, OMIM 144010.
Familial hypobetalipoproteinemia 1. Also called: APOB-Related Familial Hypobetalipoproteinemia; Hypobetalipoproteinemia, normotriglyceridemic; Acanthocytosis with hypobetalipoproteinemia. Identifiers: MedGen C4551990, MONDO:0014252, OMIM 615558.

Allele frequency attached by ClinVar (database versions not stated): gnomAD exomes below 0.00001.
gnomAD v4.1: 5 of 1,614,074 alleles (0.00031%); highest among the groups gnomAD compares: Non-Finnish European, 0.00042%; no homozygotes.

Submissions (2):

Labcorp Genetics (formerly Invitae), Labcorp
Classification: Uncertain significance for Familial hypobetalipoproteinemia 1; Hypercholesterolemia, autosomal dominant, type B. Last evaluated: 2025-12-01. Review status: criteria provided, single submitter. Criteria: Invitae Variant Classification Sherloc (09022015). Collection method: clinical testing. Allele origin: germline.
Comment: This sequence change replaces asparagine, which is neutral and polar, with lysine, which is basic and polar, at codon 2084 of the APOB protein (p.Asn2084Lys). This variant is not present in population databases (gnomAD no frequency). This variant has not been reported in the literature in individuals affected with APOB-related conditions. ClinVar contains an entry for this variant (Variation ID: 3231436). Invitae Evidence Modeling of protein sequence and biophysical properties (such as structural, functional, and spatial information, amino acid conservation, physicochemical variation, residue mobility, and thermodynamic stability) indicates that this missense variant is not expected to disrupt APOB protein function with a negative predictive value of 95%. In summary, the available evidence is currently insufficient to determine the role of this variant in disease. Therefore, it has been classified as a Variant of Uncertain Significance.

Ambry Genetics
Classification: Uncertain significance for Cardiovascular phenotype. Last evaluated: 2023-09-22. Review status: criteria provided, single submitter. Criteria: Ambry Variant Classification Scheme 2023. Collection method: clinical testing. Allele origin: germline.
Comment: The p.N2084K variant (also known as c.6252T>A), located in coding exon 26 of the APOB gene, results from a T to A substitution at nucleotide position 6252. The asparagine at codon 2084 is replaced by lysine, an amino acid with similar properties. This amino acid position is conserved. In addition, this alteration is predicted to be tolerated by in silico analysis. Since supporting evidence is limited at this time, the clinical significance of this alteration remains unclear.